The following is an entry in ClinVar:

NM_182961.4(SYNE1):c.298G>A (p.Glu100Lys)

Gene: SYNE1 (spectrin repeat containing nuclear envelope protein 1; minus strand). Cytogenetic location: 6q25.2.
Variant type: single nucleotide variant.
Coding change: c.298G>A on transcript NM_182961.4 (MANE Select); coding-DNA position 298, G replaced by A.
Protein change: p.Glu100Lys; replaces glutamic acid 100 with lysine.
Molecular consequence: missense variant.
Genome position (GRCh38, 1-based): chr6:152,520,470, C>T on the plus strand (G>A on the coding strand, the complement: SYNE1 is on the minus strand). VCF-style: chr6-152520470-C-T. GRCh37 (hg19) VCF-style: chr6-152841605-C-T.
Other names: c.298G>A, p.Glu100Lys (NM_033071.5); c.298G>A (NM_182961.2); short protein forms E100K.
Identifiers: ClinVar variation 852964 (VCV000852964.10), dbSNP rs187117263, ClinGen allele CA4059810.

ClinVar aggregate classification (germline): Uncertain significance. Review status: criteria provided, multiple submitters, no conflicts (2 of 4 stars). 5 submissions from 5 submitters: Uncertain significance (5). Last evaluated 2024-09-27.

Conditions:
Inborn genetic diseases. Identifiers: MedGen C0950123, MeSH D030342.
Autosomal recessive ataxia, Beauce type. Also called: Spinocerebellar ataxia, autosomal recessive 8; SYNE1 Deficiency; ATAXIA, RECESSIVE, OF BEAUCE; SYNE1-Related Autosomal Recessive Cerebellar Ataxia. Identifiers: Orphanet 88644, MedGen C1853116, MONDO:0012549, OMIM 610743.
Emery-Dreifuss muscular dystrophy 4, autosomal dominant (EDMD4). Also called: EMERY-DREIFUSS MUSCULAR DYSTROPHY 4 WITH VARIABLE FEATURES. Identifiers: Orphanet 261, MedGen C2751807, MONDO:0013071, OMIM 612998.

Allele frequency attached by ClinVar (database versions not stated): TOPMed 0.00034; gnomAD exomes 0.00004 and 0.00008; ExAC 0.00007; 1000 Genomes Project 30x 0.00016; 1000 Genomes Project 0.00020.
gnomAD v4.1: 115 of 1,613,512 alleles (0.0071%); highest among the groups gnomAD compares: African/African-American, 0.097%; no homozygotes.

Submissions (5):

Athena Diagnostics
Classification: Uncertain significance. Last evaluated: 2024-09-27. Review status: criteria provided, single submitter. Criteria: Athena Diagnostics Criteria. Collection method: clinical testing. Allele origin: unknown.
Comment: Available data are insufficient to determine the clinical significance of the variant at this time. The frequency of this variant in the general population is higher than would generally be expected for pathogenic variants in this gene. Polyphen and MutationTaster yielded discordant predictions regarding whether this amino acid change is damaging to the protein.

Blueprint Genetics
Classification: Uncertain significance. Last evaluated: 2023-01-25. Review status: criteria provided, single submitter. Criteria: ACMG Guidelines, 2015. Collection method: clinical testing. Allele origin: germline.

Labcorp Genetics (formerly Invitae), Labcorp
Classification: Uncertain significance for Emery-Dreifuss muscular dystrophy 4, autosomal dominant; Autosomal recessive ataxia, Beauce type. Last evaluated: 2022-08-19. Review status: criteria provided, single submitter. Criteria: Invitae Variant Classification Sherloc (09022015). Collection method: clinical testing. Allele origin: germline.
Comment: This sequence change replaces glutamic acid, which is acidic and polar, with lysine, which is basic and polar, at codon 100 of the SYNE1 protein (p.Glu100Lys). This variant is present in population databases (rs187117263, gnomAD 0.1%). This variant has not been reported in the literature in individuals affected with SYNE1-related conditions. ClinVar contains an entry for this variant (Variation ID: 852964). Algorithms developed to predict the effect of missense changes on protein structure and function are either unavailable or do not agree on the potential impact of this missense change (SIFT: "Deleterious"; PolyPhen-2: "Benign"; Align-GVGD: "Class C0"). In summary, the available evidence is currently insufficient to determine the role of this variant in disease. Therefore, it has been classified as a Variant of Uncertain Significance.

Ambry Genetics
Classification: Uncertain significance for Inborn genetic diseases. Last evaluated: 2021-10-22. Review status: criteria provided, single submitter. Criteria: Ambry Variant Classification Scheme 2023. Collection method: clinical testing. Allele origin: germline.

Revvity Omics, Revvity
Classification: Uncertain significance. Last evaluated: 2020-11-03. Review status: criteria provided, single submitter. Criteria: ACMG Guidelines, 2015. Collection method: clinical testing. Allele origin: germline.

Literature cited by the submitters: PubMed 35885997 (cited by Athena Diagnostics).